The following is an entry in ClinVar:

NM_153838.5(ADGRF4):c.1423G>T (p.Ala475Ser)

Gene: ADGRF4 (adhesion G protein-coupled receptor F4; plus strand). Cytogenetic location: 6p12.3.
Variant type: single nucleotide variant.
Coding change: c.1423G>T on transcript NM_153838.5 (MANE Select); coding-DNA position 1423, G replaced by T.
Protein change: p.Ala475Ser; replaces alanine 475 with serine.
Molecular consequence: missense variant.
Genome position (GRCh38, 1-based): chr6:47,714,668, G>T. VCF-style: chr6-47714668-G-T. GRCh37 (hg19) VCF-style: chr6-47682404-G-T.
Other names: c.1423G>T, p.Ala475Ser (NM_001347855.2); short protein forms A475S.
Identifiers: ClinVar variation 92032 (VCV000092032.2), dbSNP rs386352312, ClinGen allele CA232389.
Genomic context (GRCh38, chr6:47,714,668, plus strand): 5'-GTGTGGTTTATCATAGGCTCTCACTTTAACATTAAGGCCCAGGACTACAACATGTGTGTT[G>T]CAGTGACATTTTTCAGCCACTTTTTCTACCTCTCTCTGTTTTTCTGGATGCTCTTCAAAG-3'
Protein context (NP_722580.3, residues 465-485): IKAQDYNMCV[Ala475Ser]VTFFSHFFYL

ClinVar aggregate classification (germline): Uncertain significance (0 of 4 stars; one submission).

Allele frequency attached by ClinVar (database versions not stated): gnomAD exomes below 0.00001; ExAC 0.00001.
gnomAD v4.1: 2 of 1,614,172 alleles (0.00012%); highest among the groups gnomAD compares: South Asian, 0.0022%; no homozygotes.

Submission:

Richard Lifton Laboratory, Yale University School of Medicine
Classification: Uncertain significance. Review status: no assertion criteria provided. Collection method: not provided. Allele origin: somatic.
Comment: GPR115
ClinVar note: Converted during submission from unknown to Uncertain significance.